The following is an entry in ClinVar:

NM_130837.3(OPA1):c.517G>A (p.Val173Ile)

Gene: OPA1 (OPA1 mitochondrial dynamin like GTPase; plus strand). Cytogenetic location: 3q29.
Variant type: single nucleotide variant.
Coding change: c.517G>A on transcript NM_130837.3 (MANE Select); coding-DNA position 517, G replaced by A.
Protein change: p.Val173Ile; replaces valine 173 with isoleucine.
Molecular consequence: missense variant. On other transcripts: intron variant (5).
Genome position (GRCh38, 1-based): chr3:193,617,246, G>A. VCF-style: chr3-193617246-G-A. GRCh37 (hg19) VCF-style: chr3-193335035-G-A.
Other names: c.145G>A, p.Val49Ile (NM_001354664.2); c.517G>A, p.Val173Ile (NM_015560.3, NM_130834.3, NM_130836.3); c.76+1476G>A (NM_001354663.2); c.449-538G>A (NM_130835.3, NM_130832.3); c.448+1476G>A (NM_130833.3, NM_130831.3); short protein forms V173I, V49I.
Identifiers: ClinVar variation 1191569 (VCV001191569.6), dbSNP rs778997114, ClinGen allele CA2759034.

ClinVar aggregate classification (germline): Conflicting classifications of pathogenicity. Review status: criteria provided, conflicting classifications (1 of 4 stars). 3 submissions from 3 submitters: Uncertain significance (2); Likely benign (1). Last evaluated 2025-04-01.

Conditions:
Inborn genetic diseases. Identifiers: MedGen C0950123, MeSH D030342.

Allele frequency attached by ClinVar (database versions not stated): gnomAD 0.00004 and 0.00001; TOPMed 0.00002; ExAC 0.00008; gnomAD exomes 0.00007 and 0.00010.
gnomAD v4.1: 105 of 1,613,050 alleles (0.0065%); highest among the groups gnomAD compares: South Asian, 0.11%; 2 homozygotes.

Submissions (3):

Labcorp Genetics (formerly Invitae), Labcorp
Classification: Likely benign. Last evaluated: 2025-04-01. Review status: criteria provided, single submitter. Criteria: Invitae Variant Classification Sherloc (09022015). Collection method: clinical testing. Allele origin: germline.

Ambry Genetics
Classification: Uncertain significance for Inborn genetic diseases. Last evaluated: 2024-05-29. Review status: criteria provided, single submitter. Criteria: Ambry Variant Classification Scheme 2023. Collection method: clinical testing. Allele origin: germline.

GeneDx
Classification: Uncertain significance. Last evaluated: 2019-10-25. Review status: criteria provided, single submitter. Criteria: GeneDx Variant Classification Process June 2021. Collection method: clinical testing. Allele origin: germline. Affected: yes.
Comment: In silico analysis, which includes protein predictors and evolutionary conservation, supports that this variant does not alter protein structure/function; Has not been previously published as pathogenic or benign to our knowledge